The following is an entry in ClinVar:

ClinVar aggregate classification (germline): Uncertain significance (1 of 4 stars; one submission).

Conditions:
DiGeorge syndrome. Also called: THIRD AND FOURTH PHARYNGEAL POUCH SYNDROME; Catch22. Identifiers: Orphanet 567, MedGen C0012236, MONDO:0008564, OMIM 188400.

Submission:

Labcorp Genetics (formerly Invitae), Labcorp
Classification: Uncertain significance for DiGeorge syndrome. Last evaluated: 2025-12-03. Review status: criteria provided, single submitter. Criteria: Invitae Variant Classification Sherloc (09022015). Collection method: clinical testing. Allele origin: germline.
Comment: This sequence change replaces proline, which is neutral and non-polar, with leucine, which is neutral and non-polar, at codon 433 of the TBX1 protein (p.Pro433Leu). This variant is not present in population databases (gnomAD no frequency). This variant has not been reported in the literature in individuals affected with TBX1-related conditions. An algorithm developed to predict the effect of missense changes on protein structure and function (PolyPhen-2) suggests that this variant is likely to be disruptive. In summary, the available evidence is currently insufficient to determine the role of this variant in disease. Therefore, it has been classified as a Variant of Uncertain Significance.

NM_001379200.1(TBX1):c.1325C>T (p.Pro442Leu)

Gene: TBX1 (T-box transcription factor 1; plus strand). Cytogenetic location: 22q11.21.
Variant type: single nucleotide variant.
Coding change: c.1325C>T on transcript NM_001379200.1 (MANE Select); coding-DNA position 1325, C replaced by T.
Protein change: p.Pro442Leu; replaces proline 442 with leucine.
Molecular consequence: missense variant. On other transcripts: intron variant (2).
Genome position (GRCh38, 1-based): chr22:19,766,677, C>T. VCF-style: chr22-19766677-C-T. GRCh37 (hg19) VCF-style: chr22-19754200-C-T.
Other names: c.1298C>T, p.Pro433Leu (NM_080647.1); c.1009+675C>T (NM_005992.1, NM_080646.2); short protein forms P433L, P442L.
Identifiers: ClinVar variation 4805104 (VCV004805104.1).